The following is an entry in ClinVar:

NM_001040167.2(LFNG):c.216_217del (p.His72fs)

Gene: LFNG (LFNG O-fucosylpeptide 3-beta-N-acetylglucosaminyltransferase; plus strand). Cytogenetic location: 7p22.3.
Variant type: Microsatellite.
Coding change: c.216_217del on transcript NM_001040167.2 (MANE Select); coding-DNA positions 216 to 217, 2 bases deleted (CA; older notation c.216_217delCA).
Protein change: p.His72fs; shifts the reading frame from histidine 72.
Molecular consequence: frameshift variant. On other transcripts: intron variant (2).
Genome position (GRCh38, 1-based): chr7:2,520,077-2,520,078, CA deleted; deleting any 2 consecutive bases within chr7:2,520,075-2,520,078 gives the same sequence; the c. name uses the placement nearest the transcript's 3' end. VCF-style (leftmost placement, unchanged base first): chr7-2520074-GCA-G. GRCh37 (hg19) VCF-style: chr7-2559708-GCA-G.
Other names: c.216_217del, p.His72fs (NM_001040168.2); c.220-4618_220-4617del (NM_001166355.2); c.45+1479_45+1480del (NM_002304.3); short protein forms H72fs.
Identifiers: ClinVar variation 2035397 (VCV002035397.4), dbSNP rs2534228779, ClinGen allele CA2580615829.

ClinVar aggregate classification (germline): Pathogenic (1 of 4 stars; one submission).

Conditions:
Spondylocostal dysostosis 3, autosomal recessive (SCDO3). Also called: LFNG-Related Spondylocostal Dysostosis, Autosomal Recessive. Identifiers: Orphanet 2311, MedGen C1853296, MONDO:0012349, OMIM 609813.

Submission:

Labcorp Genetics (formerly Invitae), Labcorp
Classification: Pathogenic for Spondylocostal dysostosis 3, autosomal recessive. Last evaluated: 2022-10-13. Review status: criteria provided, single submitter. Criteria: Invitae Variant Classification Sherloc (09022015). Collection method: clinical testing. Allele origin: germline.
Comment: For these reasons, this variant has been classified as Pathogenic. This variant has not been reported in the literature in individuals affected with LFNG-related conditions. This variant is not present in population databases (gnomAD no frequency). This sequence change creates a premature translational stop signal (p.His72Glnfs*78) in the LFNG gene. It is expected to result in an absent or disrupted protein product. Loss-of-function variants in LFNG are known to be pathogenic (PMID: 16385447, 29459493).

Literature cited by the submitters: PubMed 16385447; PubMed 29459493.